The following is an entry in ClinVar:

ClinVar aggregate classification (germline): Uncertain significance (1 of 4 stars; one submission).

Conditions:
Inborn genetic diseases. Identifiers: MedGen C0950123, MeSH D030342.

Allele frequency attached by ClinVar (database versions not stated): gnomAD exomes below 0.00001.
gnomAD v4.1: 2 of 1,614,086 alleles (0.00012%); highest among the groups gnomAD compares: Non-Finnish European, 0.000085%; no homozygotes.

Submission:

Ambry Genetics
Classification: Uncertain significance for Inborn genetic diseases. Last evaluated: 2022-05-28. Review status: criteria provided, single submitter. Criteria: Ambry Variant Classification Scheme 2023. Collection method: clinical testing. Allele origin: germline.
Comment: The p.H817P variant (also known as c.2450A>C), located in coding exon 15 of the EPAS1 gene, results from an A to C substitution at nucleotide position 2450. The histidine at codon 817 is replaced by proline, an amino acid with similar properties. This amino acid position is conserved. In addition, this alteration is predicted to be tolerated by in silico analysis. Since supporting evidence is limited at this time, the clinical significance of this alteration remains unclear.

NM_001430.5(EPAS1):c.2450A>C (p.His817Pro)

Gene: EPAS1 (endothelial PAS domain protein 1; plus strand). Cytogenetic location: 2p21.
Variant type: single nucleotide variant.
Coding change: c.2450A>C on transcript NM_001430.5 (MANE Select); coding-DNA position 2450, A replaced by C.
Protein change: p.His817Pro; replaces histidine 817 with proline.
Molecular consequence: missense variant.
Genome position (GRCh38, 1-based): chr2:46,382,587, A>C. VCF-style: chr2-46382587-A-C. GRCh37 (hg19) VCF-style: chr2-46609726-A-C.
Other names: short protein forms H817P.
Identifiers: ClinVar variation 1791475 (VCV001791475.2), dbSNP rs2546481071, ClinGen allele CA346706443.